The following is an entry in ClinVar:

NM_001184.4(ATR):c.5234G>T (p.Gly1745Val)

Gene: ATR (ATR checkpoint kinase; minus strand). Cytogenetic location: 3q23.
Variant type: single nucleotide variant.
Coding change: c.5234G>T on transcript NM_001184.4 (MANE Select); coding-DNA position 5234, G replaced by T.
Protein change: p.Gly1745Val; replaces glycine 1745 with valine.
Molecular consequence: missense variant.
Genome position (GRCh38, 1-based): chr3:142,503,416, C>A on the plus strand (G>T on the coding strand, the complement: ATR is on the minus strand). VCF-style: chr3-142503416-C-A. GRCh37 (hg19) VCF-style: chr3-142222258-C-A.
Other names: c.5042G>T, p.Gly1681Val (NM_001354579.2); short protein forms G1745V, G1681V.
Identifiers: ClinVar variation 2562495 (VCV002562495.2), dbSNP rs2473182699, ClinGen allele CA354818460.

ClinVar aggregate classification (germline): Uncertain significance (1 of 4 stars; one submission).

Conditions:
Inborn genetic diseases. Identifiers: MedGen C0950123, MeSH D030342.

Submission:

Ambry Genetics
Classification: Uncertain significance for Inborn genetic diseases. Last evaluated: 2023-06-10. Review status: criteria provided, single submitter. Criteria: Ambry Variant Classification Scheme 2023. Collection method: clinical testing. Allele origin: germline.
Comment: The p.G1745V variant (also known as c.5234G>T), located in coding exon 30 of the ATR gene, results from a G to T substitution at nucleotide position 5234. The glycine at codon 1745 is replaced by valine, an amino acid with dissimilar properties. This amino acid position is conserved. In addition, the in silico prediction for this alteration is inconclusive. Since supporting evidence is limited at this time, the clinical significance of this alteration remains unclear.